The following is an entry in ClinVar:

NM_006516.4(SLC2A1):c.877T>C (p.Tyr293His)

Gene: SLC2A1 (solute carrier family 2 member 1; minus strand). Cytogenetic location: 1p34.2.
Variant type: single nucleotide variant.
Coding change: c.877T>C on transcript NM_006516.4 (MANE Select); coding-DNA position 877, T replaced by C.
Protein change: p.Tyr293His; replaces tyrosine 293 with histidine.
Molecular consequence: missense variant.
Genome position (GRCh38, 1-based): chr1:42,929,305, A>G on the plus strand (T>C on the coding strand, the complement: SLC2A1 is on the minus strand). VCF-style: chr1-42929305-A-G. GRCh37 (hg19) VCF-style: chr1-43394976-A-G.
Other names: short protein forms Y293H.
Identifiers: ClinVar variation 1318752 (VCV001318752.9), dbSNP rs2124448410, ClinGen allele CA339956935.

ClinVar aggregate classification (germline): Conflicting classifications of pathogenicity. Review status: criteria provided, conflicting classifications (1 of 4 stars). 2 submissions from 2 submitters: Pathogenic (1); Uncertain significance (1). Last evaluated 2021-05-03.

Conditions:
GLUT1 deficiency syndrome 1, autosomal recessive. Identifiers: MedGen C3149117.

Submissions (2):

GeneDx
Classification: Uncertain significance. Last evaluated: 2021-05-03. Review status: criteria provided, single submitter. Criteria: GeneDx Variant Classification Process June 2021. Collection method: clinical testing. Allele origin: germline. Affected: yes.
Comment: Not observed in large population cohorts (Lek et al., 2016); In silico analysis supports that this missense variant has a deleterious effect on protein structure/function; Has not been previously published as pathogenic or benign to our knowledge

Labcorp Genetics (formerly Invitae), Labcorp
Classification: Pathogenic for GLUT1 deficiency syndrome 1, autosomal recessive. Last evaluated: 2021-04-06. Review status: criteria provided, single submitter. Criteria: Invitae Variant Classification Sherloc (09022015). Collection method: clinical testing. Allele origin: germline.
Comment: For these reasons, this variant has been classified as Pathogenic. Advanced modeling of protein sequence and biophysical properties (such as structural, functional, and spatial information, amino acid conservation, physicochemical variation, residue mobility, and thermodynamic stability) performed at Invitae indicates that this missense variant is expected to disrupt SLC2A1 protein function. This variant has been observed in individual(s) with clinical features of SLC2A1-related conditions (Invitae). In at least one individual the variant was observed to be de novo. This variant is not present in population databases (ExAC no frequency). This sequence change replaces tyrosine with histidine at codon 293 of the SLC2A1 protein (p.Tyr293His). The tyrosine residue is highly conserved and there is a moderate physicochemical difference between tyrosine and histidine.